The following is an entry in ClinVar:

ClinVar aggregate classification (germline): Uncertain significance (1 of 4 stars; one submission).

Submission:

Labcorp Genetics (formerly Invitae), Labcorp
Classification: Uncertain significance. Last evaluated: 2023-04-11. Review status: criteria provided, single submitter. Criteria: Invitae Variant Classification Sherloc (09022015). Collection method: clinical testing. Allele origin: unknown.
Comment: In summary, the available evidence is currently insufficient to determine the role of this variant in disease. Therefore, it has been classified as a Variant of Uncertain Significance. This variant has not been reported in the literature in individuals affected with TTLL5-related conditions. A copy number gain of the genomic region encompassing the full coding sequence of the TTLL5 gene has been identified. The boundaries of this event are unknown as they extend beyond the assayed region for this gene and therefore may encompass additional genes. As the precise location of this event is unknown, it may be in tandem or it may be located elsewhere in the genome.

NC_000014.8:g.(?_76129493)_(76420789_?)dup

Gene: TTLL5 (tubulin tyrosine ligase like 5; plus strand). Cytogenetic location: 14q24.3.
Variant type: Duplication.
Identifiers: ClinVar variation 3244095 (VCV003244095.1).